The following is an entry in ClinVar:

NM_057176.3(BSND):c.548+10T>C

Gene: BSND (barttin CLCNK type accessory subunit beta; plus strand). Cytogenetic location: 1p32.3.
Variant type: single nucleotide variant.
Coding change: c.548+10T>C on transcript NM_057176.3 (MANE Select); 10 bases into the intron after coding-DNA position 548, T replaced by C.
Molecular consequence: intron variant.
Genome position (GRCh38, 1-based): chr1:55,007,282, T>C. VCF-style: chr1-55007282-T-C. GRCh37 (hg19) VCF-style: chr1-55472955-T-C.
Identifiers: ClinVar variation 709547 (VCV000709547.13), dbSNP rs369882063, ClinGen allele CA871365.

ClinVar aggregate classification (germline): Likely benign. Review status: criteria provided, multiple submitters, no conflicts (2 of 4 stars). 3 submissions from 3 submitters: Likely benign (3). Last evaluated 2026-05-05.

Conditions:
BSND-related disorder. Also called: BSND-related condition.
Bartter disease type 4A. Also called: BARTTER SYNDROME, NEONATAL, WITH SENSORINEURAL DEAFNESS; BARTTER SYNDROME, TYPE 4A, NEONATAL, WITH SENSORINEURAL DEAFNESS. Identifiers: Orphanet 112, MedGen C1865270, MONDO:0011242, OMIM 602522.

Allele frequency attached by ClinVar (database versions not stated): gnomAD exomes 0.00002 and 0.00007; ExAC 0.00011; 1000 Genomes Project 30x 0.00016; gnomAD 0.00019 and 0.00020; 1000 Genomes Project 0.00020; TOPMed 0.00020; ESP Exome Variant Server 0.00046.
gnomAD v4.1: 54 of 1,590,054 alleles (0.0034%); highest among the groups gnomAD compares: African/African-American, 0.066%; 1 homozygote.

Submissions (3):

PreventionGenetics, part of Exact Sciences
Classification: Likely benign for BSND-related condition. Last evaluated: 2026-05-05. Review status: criteria provided, single submitter. Criteria: ACMG Guidelines, 2015. Collection method: clinical testing. Allele origin: germline.
Comment: This variant is classified as likely benign based on ACMG/AMP sequence variant interpretation guidelines (Richards et al. 2015 PMID: 25741868, with internal and published modifications).

Labcorp Genetics (formerly Invitae), Labcorp
Classification: Likely benign. Last evaluated: 2026-01-26. Review status: criteria provided, single submitter. Criteria: Invitae Variant Classification Sherloc (09022015). Collection method: clinical testing. Allele origin: germline.

Fulgent Genetics
Classification: Likely benign for Bartter disease type 4A. Last evaluated: 2022-03-11. Review status: criteria provided, single submitter. Criteria: ACMG Guidelines, 2015. Collection method: clinical testing. Allele origin: unknown.